The following is an entry in ClinVar:

ClinVar aggregate classification (germline): Uncertain significance (1 of 4 stars; one submission).

Submission:

GeneDx
Classification: Uncertain significance. Last evaluated: 2024-04-08. Review status: criteria provided, single submitter. Criteria: GeneDx Variant Classification Process June 2021. Collection method: clinical testing. Allele origin: germline. Affected: yes.
Comment: Not observed at significant frequency in large population cohorts (gnomAD); In silico analysis indicates that this missense variant does not alter protein structure/function; Has not been previously published as pathogenic or benign to our knowledge; This substitution is predicted to be in the cytoplasmic loop between the first and second homologous domains

NM_001165963.4(SCN1A):c.1897G>A (p.Ala633Thr)

Gene: SCN1A (sodium voltage-gated channel alpha subunit 1; minus strand). Cytogenetic location: 2q24.3.
Variant type: single nucleotide variant.
Coding change: c.1897G>A on transcript NM_001165963.4 (MANE Select); coding-DNA position 1897, G replaced by A.
Protein change: p.Ala633Thr; replaces alanine 633 with threonine.
Molecular consequence: missense variant. On other transcripts: 5 prime UTR variant (1), non-coding transcript variant (1).
Genome position (GRCh38, 1-based): chr2:166,043,815, C>T on the plus strand (G>A on the coding strand, the complement: SCN1A is on the minus strand). VCF-style: chr2-166043815-C-T. GRCh37 (hg19) VCF-style: chr2-166900325-C-T.
Other names: c.1897G>A, p.Ala633Thr (NM_001165964.3, NM_001202435.3, NM_001353948.2 and 7 more transcripts); c.1894G>A, p.Ala632Thr (NM_001353954.2, NM_001353955.2, NM_001353960.2); c.-529G>A (NM_001353961.2); short protein forms A632T, A633T.
Identifiers: ClinVar variation 3372323 (VCV003372323.1).